The following is an entry in ClinVar:

NM_023077.3(COA7):c.465C>T (p.Ala155=)

Gene: COA7 (cytochrome c oxidase assembly factor 7; minus strand). Cytogenetic location: 1p32.3.
Variant type: single nucleotide variant.
Coding change: c.465C>T on transcript NM_023077.3 (MANE Select); coding-DNA position 465, C replaced by T.
Protein change: p.Ala155=; no amino-acid change (alanine 155 retained).
Molecular consequence: synonymous variant.
Genome position (GRCh38, 1-based): chr1:52,687,951, G>A on the plus strand (C>T on the coding strand, the complement: COA7 is on the minus strand). VCF-style: chr1-52687951-G-A. GRCh37 (hg19) VCF-style: chr1-53153623-G-A.
Identifiers: ClinVar variation 4874787 (VCV004874787.2).

ClinVar aggregate classification (germline): Likely benign (1 of 4 stars; one submission).

Submission:

CeGaT Center for Human Genetics Tuebingen
Classification: Likely benign. Last evaluated: 2026-04-01. Review status: criteria provided, single submitter. Criteria: CeGaT Center For Human Genetics Tuebingen Variant Classification Criteria Version 2. Collection method: clinical testing. Allele origin: germline. Affected: yes. Observed: 1 variant allele.
Comment: COA7: BP4, BP7